The following is an entry in ClinVar:

NC_000013.11:g.20192985C>T

Gene: GJB2 (gap junction protein beta 2; minus strand). Cytogenetic location: 13q12.11.
Variant type: single nucleotide variant.
Genome position: GRCh38 VCF-style: chr13-20192985-C-T. GRCh37 (hg19) VCF-style: chr13-20767124-C-T.
Identifiers: ClinVar variation 4083250 (VCV004083250.1).

ClinVar aggregate classification (germline): Uncertain significance (1 of 4 stars; one submission).

Submission:

GeneDx
Classification: Uncertain significance. Last evaluated: 2025-03-10. Review status: criteria provided, single submitter. Criteria: GeneDx Variant Classification Process June 2021. Collection method: clinical testing. Allele origin: germline. Affected: yes.
Comment: Has not been previously published as pathogenic or benign to our knowledge; No data available from control populations to assess the frequency of this variant; Located in a regulatory region; in the absence of functional studies, the actual effect of this sequence change is unknown